The following is an entry in ClinVar:

NM_001378120.1(MBD5):c.365C>T (p.Ser122Phe)

Gene: MBD5 (methyl-CpG binding domain protein 5; plus strand). Cytogenetic location: 2q23.1.
Variant type: single nucleotide variant.
Coding change: c.365C>T on transcript NM_001378120.1 (MANE Select); coding-DNA position 365, C replaced by T.
Protein change: p.Ser122Phe; replaces serine 122 with phenylalanine.
Molecular consequence: missense variant.
Genome position (GRCh38, 1-based): chr2:148,463,887, C>T. VCF-style: chr2-148463887-C-T. GRCh37 (hg19) VCF-style: chr2-149221456-C-T.
Other names: c.365C>T, p.Ser122Phe (NM_018328.5); short protein forms S122F.
Identifiers: ClinVar variation 2734281 (VCV002734281.3), dbSNP rs763191402, ClinGen allele CA1899858.

ClinVar aggregate classification (germline): Uncertain significance (1 of 4 stars; one submission).

Conditions:
Intellectual developmental disorder, autosomal dominant 1. Also called: Intellectual disability, autosomal dominant 1; MBD5 Haploinsufficiency. Identifiers: Orphanet 228402, MedGen C1969562, MONDO:0007974, OMIM 156200.

Allele frequency attached by ClinVar (database versions not stated): gnomAD exomes below 0.00001; ExAC 0.00001; gnomAD 0.00001; TOPMed 0.00001.
gnomAD v4.1: 5 of 1,613,538 alleles (0.00031%); highest among the groups gnomAD compares: East Asian, 0.011%; no homozygotes.

Submission:

Labcorp Genetics (formerly Invitae), Labcorp
Classification: Uncertain significance for Intellectual developmental disorder, autosomal dominant 1. Last evaluated: 2025-10-01. Review status: criteria provided, single submitter. Criteria: Invitae Variant Classification Sherloc (09022015). Collection method: clinical testing. Allele origin: germline.
Comment: This sequence change replaces serine, which is neutral and polar, with phenylalanine, which is neutral and non-polar, at codon 122 of the MBD5 protein (p.Ser122Phe). This variant is present in population databases (rs763191402, gnomAD 0.02%). This missense change has been observed in individual(s) with epilepsy and intellectual disability (PMID: 28074849). ClinVar contains an entry for this variant (Variation ID: 2734281). Invitae Evidence Modeling of protein sequence and biophysical properties (such as structural, functional, and spatial information, amino acid conservation, physicochemical variation, residue mobility, and thermodynamic stability) indicates that this missense variant is not expected to disrupt MBD5 protein function with a negative predictive value of 80%. In summary, the available evidence is currently insufficient to determine the role of this variant in disease. Therefore, it has been classified as a Variant of Uncertain Significance.

Literature cited by the submitters: PubMed 28074849.